The following is an entry in ClinVar:

NM_001211.6(BUB1B):c.2513A>G (p.Tyr838Cys)

Gene: BUB1B (BUB1 mitotic checkpoint serine/threonine kinase B; plus strand). Cytogenetic location: 15q15.1.
Variant type: single nucleotide variant.
Coding change: c.2513A>G on transcript NM_001211.6 (MANE Select); coding-DNA position 2513, A replaced by G.
Protein change: p.Tyr838Cys; replaces tyrosine 838 with cysteine.
Molecular consequence: missense variant.
Genome position (GRCh38, 1-based): chr15:40,212,626, A>G. VCF-style: chr15-40212626-A-G. GRCh37 (hg19) VCF-style: chr15-40504827-A-G.
Other names: short protein forms Y838C.
Identifiers: ClinVar variation 465372 (VCV000465372.11), dbSNP rs753916523, ClinGen allele CA7476058.

ClinVar aggregate classification (germline): Uncertain significance. Review status: criteria provided, multiple submitters, no conflicts (2 of 4 stars). 2 submissions from 2 submitters: Uncertain significance (2). Last evaluated 2024-01-19.

Conditions:
Mosaic variegated aneuploidy syndrome 1 (MVA1). Also called: Warburton-Anyane-Yeboa syndrome. Identifiers: Orphanet 1052, MedGen C1850343, MONDO:0009759, OMIM 257300.
Inborn genetic diseases. Identifiers: MedGen C0950123, MeSH D030342.

Allele frequency attached by ClinVar (database versions not stated): ExAC 0.00001; gnomAD exomes 0.00001 and below 0.00001.
gnomAD v4.1: 4 of 1,613,610 alleles (0.00025%); highest among the groups gnomAD compares: East Asian, 0.0089%; no homozygotes.

Submissions (2):

Ambry Genetics
Classification: Uncertain significance for Inborn genetic diseases. Last evaluated: 2024-01-19. Review status: criteria provided, single submitter. Criteria: Ambry Variant Classification Scheme 2023. Collection method: clinical testing. Allele origin: germline.
Comment: The p.Y838C variant (also known as c.2513A>G), located in coding exon 19 of the BUB1B gene, results from an A to G substitution at nucleotide position 2513. The tyrosine at codon 838 is replaced by cysteine, an amino acid with highly dissimilar properties. This amino acid position is conserved. In addition, the in silico prediction for this alteration is inconclusive. Based on the available evidence, the clinical significance of this alteration remains unclear.

Labcorp Genetics (formerly Invitae), Labcorp
Classification: Uncertain significance for Mosaic variegated aneuploidy syndrome 1. Last evaluated: 2023-01-03. Review status: criteria provided, single submitter. Criteria: Invitae Variant Classification Sherloc (09022015). Collection method: clinical testing. Allele origin: germline.
Comment: This variant is present in population databases (rs753916523, gnomAD 0.006%). This variant has not been reported in the literature in individuals affected with BUB1B-related conditions. ClinVar contains an entry for this variant (Variation ID: 465372). Algorithms developed to predict the effect of missense changes on protein structure and function are either unavailable or do not agree on the potential impact of this missense change (SIFT: "Tolerated"; PolyPhen-2: "Probably Damaging"; Align-GVGD: "Class C0"). In summary, the available evidence is currently insufficient to determine the role of this variant in disease. Therefore, it has been classified as a Variant of Uncertain Significance. This sequence change replaces tyrosine, which is neutral and polar, with cysteine, which is neutral and slightly polar, at codon 838 of the BUB1B protein (p.Tyr838Cys).